The following is an entry in ClinVar:

NM_000038.6(APC):c.933+4A>G

Gene: APC (APC regulator of Wnt signaling pathway; plus strand). Cytogenetic location: 5q22.2.
Variant type: single nucleotide variant.
Coding change: c.933+4A>G on transcript NM_000038.6 (MANE Select); 4 bases into the intron after coding-DNA position 933, A replaced by G.
Molecular consequence: intron variant.
Genome position (GRCh38, 1-based): chr5:112,815,597, A>G. VCF-style: chr5-112815597-A-G. GRCh37 (hg19) VCF-style: chr5-112151294-A-G.
Other names: c.933+4A>G (NM_001354895.2, NM_001127510.3, NM_001354896.2 and 1 more transcripts); c.963+4A>G (NM_001354897.2, NM_001354902.2); c.879+4A>G (NM_001127511.3); c.858+4A>G (NM_001354898.2, NM_001354904.2); c.84+4A>G (NM_001354906.2); c.849+4A>G (NM_001354899.2); c.756+4A>G (NM_001354900.2, NM_001354901.2, NM_001354905.2).
Identifiers: ClinVar variation 628785 (VCV000628785.20), dbSNP rs1159809383, ClinGen allele CA561903416.
Genomic context (GRCh38, chr5:112,815,597, plus strand): 5'-AGTTCTAGTAGCACACACTCTGCACCTCGAAGGCTGACAAGTCATCTGGGAACCAAGGTA[A>G]CAGAAGATTACAAACCCTGGTCACTAATGCCATGACTACTTTGCTAAGACATTCTTGGCC-3'

ClinVar aggregate classification (germline): Uncertain significance. Review status: criteria provided, multiple submitters, no conflicts (2 of 4 stars). 5 submissions from 5 submitters: Uncertain significance (5). Last evaluated 2026-01-05.

Conditions:
Hereditary cancer-predisposing syndrome. Also called: Neoplastic Syndromes, Hereditary; Tumor predisposition; Hereditary neoplastic syndrome; Hereditary Cancer Syndrome. Identifiers: Orphanet 140162, MedGen C0027672, MeSH D009386, MONDO:0015356.
Familial adenomatous polyposis 1 (FAP1). Also called: POLYPOSIS, ADENOMATOUS INTESTINAL; FAMILIAL ADENOMATOUS POLYPOSIS 1, ATTENUATED. Identifiers: MedGen C2713442, MONDO:0021056, OMIM 175100. Disease mechanism: loss of function.

Allele frequency attached by ClinVar (database versions not stated): gnomAD exomes below 0.00001 and 0.00001.
gnomAD v4.1: 2 of 1,605,832 alleles (0.00012%); highest among the groups gnomAD compares: Admixed American, 0.0033%; no homozygotes.

Submissions (5):

Labcorp Genetics (formerly Invitae), Labcorp
Classification: Uncertain significance for Familial adenomatous polyposis 1. Last evaluated: 2026-01-05. Review status: criteria provided, single submitter. Criteria: Invitae Variant Classification Sherloc (09022015). Collection method: clinical testing. Allele origin: germline.
Comment: This sequence change falls in intron 9 of the APC gene. It does not directly change the encoded amino acid sequence of the APC protein. It affects a nucleotide within the consensus splice site. This variant is present in population databases (no rsID available, gnomAD 0.006%). This variant has not been reported in the literature in individuals affected with APC-related conditions. ClinVar contains an entry for this variant (Variation ID: 628785). Variants that disrupt the consensus splice site are a relatively common cause of aberrant splicing (PMID: 17576681, 9536098). Algorithms developed to predict the effect of sequence changes on RNA splicing suggest that this variant is not likely to affect RNA splicing. In summary, the available evidence is currently insufficient to determine the role of this variant in disease. Therefore, it has been classified as a Variant of Uncertain Significance.

Ambry Genetics
Classification: Uncertain significance for Hereditary cancer-predisposing syndrome. Last evaluated: 2025-07-16. Review status: criteria provided, single submitter. Criteria: Ambry Variant Classification Scheme 2023. Collection method: clinical testing. Allele origin: germline.
Comment: The c.933+4A>G intronic variant results from an A to G substitution 4 nucleotides after coding exon 8 in the APC gene. This nucleotide position is well conserved in available vertebrate species. In silico splice site analysis predicts that this alteration may weaken the native splice donor site; however, direct evidence is insufficient at this time (Ambry internal data). Since supporting evidence is limited at this time, the clinical significance of this alteration remains unclear.

Quest Diagnostics Nichols Institute San Juan Capistrano
Classification: Uncertain significance. Last evaluated: 2024-01-09. Review status: criteria provided, single submitter. Criteria: Quest Diagnostics criteria. Collection method: clinical testing. Allele origin: unknown.
Comment: The APC c.933+4A>G variant has not been reported in individuals with APC-related conditions in the published literature. The frequency of this variant in the general population, 0.000008 (2/251050 chromosomes (Genome Aggregation Database)), is uninformative in the assessment of its pathogenicity. Analysis of this variant using software algorithms for the prediction of the effect of nucleotide changes on APC mRNA splicing yielded inconclusive findings. Based on the available information, we are unable to determine the clinical significance of this variant.

GeneDx
Classification: Uncertain significance. Last evaluated: 2023-10-18. Review status: criteria provided, single submitter. Criteria: GeneDx Variant Classification Process June 2021. Collection method: clinical testing. Allele origin: germline. Affected: yes.
Comment: Not observed at significant frequency in large population cohorts (gnomAD); Has not been previously published as pathogenic or benign to our knowledge; In silico analysis is inconclusive as to whether the variant alters gene splicing. In the absence of RNA/functional studies, the actual effect of this sequence change is unknown.

Color Diagnostics, LLC DBA Color Health
Classification: Uncertain significance for Hereditary cancer-predisposing syndrome. Last evaluated: 2018-12-31. Review status: criteria provided, single submitter. Criteria: ACMG Guidelines, 2015. Collection method: clinical testing. Allele origin: germline.

Literature cited by the submitters: PubMed 17576681 (cited by Labcorp Genetics (formerly Invitae), Labcorp); PubMed 9536098 (cited by Labcorp Genetics (formerly Invitae), Labcorp).